The following is an entry in ClinVar:

NM_021076.4(NEFH):c.2603A>G (p.Glu868Gly)

Gene: NEFH (neurofilament heavy chain; plus strand). Cytogenetic location: 22q12.2.
Variant type: single nucleotide variant.
Coding change: c.2603A>G on transcript NM_021076.4 (MANE Select); coding-DNA position 2603, A replaced by G.
Protein change: p.Glu868Gly; replaces glutamic acid 868 with glycine.
Molecular consequence: missense variant.
Genome position (GRCh38, 1-based): chr22:29,490,243, A>G. VCF-style: chr22-29490243-A-G. GRCh37 (hg19) VCF-style: chr22-29886232-A-G.
Other names: short protein forms E868G.
Identifiers: ClinVar variation 2118748 (VCV002118748.4), dbSNP rs2517979304, ClinGen allele CA411138196.

ClinVar aggregate classification (germline): Uncertain significance (1 of 4 stars; one submission).

Submission:

Labcorp Genetics (formerly Invitae), Labcorp
Classification: Uncertain significance. Last evaluated: 2022-03-28. Review status: criteria provided, single submitter. Criteria: Invitae Variant Classification Sherloc (09022015). Collection method: clinical testing. Allele origin: germline.
Comment: This sequence change replaces glutamic acid, which is acidic and polar, with glycine, which is neutral and non-polar, at codon 868 of the NEFH protein (p.Glu868Gly). This variant is not present in population databases (gnomAD no frequency). This variant has not been reported in the literature in individuals affected with NEFH-related conditions. Advanced modeling of protein sequence and biophysical properties (such as structural, functional, and spatial information, amino acid conservation, physicochemical variation, residue mobility, and thermodynamic stability) performed at Invitae indicates that this missense variant is not expected to disrupt NEFH protein function. In summary, the available evidence is currently insufficient to determine the role of this variant in disease. Therefore, it has been classified as a Variant of Uncertain Significance.